The following is an entry in ClinVar:

ClinVar aggregate classification (germline): Pathogenic. Review status: reviewed by expert panel (3 of 4 stars). 4 submissions from 4 submitters: Pathogenic (1). 3 of the submissions do not count toward it. Last evaluated 2016-09-08.

Conditions:
Hereditary cancer-predisposing syndrome. Also called: Neoplastic Syndromes, Hereditary; Tumor predisposition; Hereditary neoplastic syndrome; Hereditary Cancer Syndrome. Identifiers: Orphanet 140162, MedGen C0027672, MeSH D009386, MONDO:0015356.
Hereditary breast ovarian cancer syndrome. Also called: Hereditary breast and ovarian cancer syndrome; Hereditary breast and ovarian cancer; Hereditary breast and ovarian cancer syndrome (HBOC); Breast and ovarian cancer; Hereditary breast and/or ovarian cancer syndrome; BRCA1- and BRCA2-Associated Hereditary Breast and Ovarian Cancer. Identifiers: Orphanet 145, MedGen C0677776, MeSH D061325, MONDO:0003582. Disease mechanism: loss of function.
Breast-ovarian cancer, familial, susceptibility to, 2 (BROVCA2). Also called: BRCA2 Hereditary Breast and Ovarian Cancer. Identifiers: Orphanet 145, MedGen C2675520, MONDO:0012933, OMIM 612555. Disease mechanism: loss of function.

Submissions (4):

Evidence-based Network for the Interpretation of Germline Mutant Alleles (ENIGMA)
Classification: Pathogenic for Breast-ovarian cancer, familial, susceptibility to, 2. Last evaluated: 2016-09-08. Review status: reviewed by expert panel. Criteria: ENIGMA BRCA1/2 Classification Criteria (2015). Collection method: curation. Allele origin: germline.
Comment: Variant allele predicted to encode a truncated non-functional protein.

Ambry Genetics
Classification: Pathogenic for Hereditary cancer-predisposing syndrome. Last evaluated: 2025-04-01. Review status: criteria provided, single submitter. Criteria: Ambry Variant Classification Scheme 2023. Collection method: clinical testing. Allele origin: germline. Not counted in ClinVar's aggregate classification.
Comment: The c.5952dupA pathogenic mutation, located in coding exon 10 of the BRCA2 gene, results from a duplication of A at nucleotide position 5952, causing a translational frameshift with a predicted alternate stop codon (p.S1985Ifs*18). This alteration was identified in an individual diagnosed with breast cancer (Valarmathi MT et al. Hum Mutat, 2004 Feb;23:205). This variant is considered to be rare based on population cohorts in the Genome Aggregation Database (gnomAD). In addition to the clinical data presented in the literature, this alteration is expected to result in loss of function by premature protein truncation or nonsense-mediated mRNA decay. As such, this alteration is interpreted as a disease-causing mutation.

Labcorp Genetics (formerly Invitae), Labcorp
Classification: Pathogenic for Hereditary breast ovarian cancer syndrome. Last evaluated: 2021-11-07. Review status: criteria provided, single submitter. Criteria: Invitae Variant Classification Sherloc (09022015). Collection method: clinical testing. Allele origin: germline. Not counted in ClinVar's aggregate classification.
Comment: This variant is not present in population databases (gnomAD no frequency). This sequence change creates a premature translational stop signal (p.Ser1985Ilefs*18) in the BRCA2 gene. It is expected to result in an absent or disrupted protein product. Loss-of-function variants in BRCA2 are known to be pathogenic (PMID: 20104584). For these reasons, this variant has been classified as Pathogenic. ClinVar contains an entry for this variant (Variation ID: 51971). This premature translational stop signal has been observed in individual(s) with breast cancer (PMID: 14722926).

Institute of Human Genetics, Medical University Innsbruck
Classification: Pathogenic for Breast-ovarian cancer, familial 2. Last evaluated: 2015-02-11. Review status: no assertion criteria provided. Criteria: clinical testing. Collection method: clinical testing. Allele origin: germline. Affected: yes. Study: BRCA-Tyrol. Not counted in ClinVar's aggregate classification.
Comment: BRCA-mutation spectrum Western Austria

Literature cited by the submitters: PubMed 14722926 (cited by Ambry Genetics and Labcorp Genetics (formerly Invitae), Labcorp); PubMed 20104584 (cited by Labcorp Genetics (formerly Invitae), Labcorp).

NM_000059.4(BRCA2):c.5952dup (p.Ser1985fs)

Gene: BRCA2 (BRCA2 DNA repair associated; plus strand). Cytogenetic location: 13q13.1.
Variant type: Duplication.
Coding change: c.5952dup on transcript NM_000059.4 (MANE Select); coding-DNA position 5952, one base duplicated (A; older notation c.5952dupA).
Protein change: p.Ser1985fs; shifts the reading frame from serine 1985.
Molecular consequence: frameshift variant.
Genome position (GRCh38, 1-based): chr13:32,340,307, A duplicated; the last of 4 consecutive A bases (chr13:32,340,304-32,340,307); duplicating any one gives the same sequence. VCF-style (leftmost placement, unchanged base first): chr13-32340303-G-GA. GRCh37 (hg19) VCF-style: chr13-32914440-G-GA.
Other names: c.5952dupA (NM_000059.3); short protein forms S1985fs.
Identifiers: ClinVar variation 51971 (VCV000051971.13), dbSNP rs397507814, ClinGen allele CA023405.